The following is an entry in ClinVar:

NM_001231.5(CASQ1):c.607G>A (p.Glu203Lys)

Gene: CASQ1 (calsequestrin 1; plus strand). Cytogenetic location: 1q23.2.
Variant type: single nucleotide variant.
Coding change: c.607G>A on transcript NM_001231.5 (MANE Select); coding-DNA position 607, G replaced by A.
Protein change: p.Glu203Lys; replaces glutamic acid 203 with lysine.
Molecular consequence: missense variant.
Genome position (GRCh38, 1-based): chr1:160,195,490, G>A. VCF-style: chr1-160195490-G-A. GRCh37 (hg19) VCF-style: chr1-160165280-G-A.
Other names: short protein forms E203K.
Identifiers: ClinVar variation 4776928 (VCV004776928.1).
Genomic context (GRCh38, chr1:160,195,490, plus strand): 5'-CCAGAGACTGACTCTGCATTCCACCCCCCAGATTACAAAGCCTTCGAGGATGCAGCTGAG[G>A]AGTTTCATCCCTACATCCCCTTCTTCGCCACCTTCGACAGCAAGGTTCTCCTCCCCGCAG-3'
Protein context (NP_001222.3, residues 193-213): HYKAFEDAAE[Glu203Lys]FHPYIPFFAT

ClinVar aggregate classification (germline): Uncertain significance (1 of 4 stars; one submission).

gnomAD v4.1: 23 of 1,613,972 alleles (0.0014%); highest among the groups gnomAD compares: Non-Finnish European, 0.0019%; no homozygotes.

Submission:

Labcorp Genetics (formerly Invitae), Labcorp
Classification: Uncertain significance. Last evaluated: 2025-06-26. Review status: criteria provided, single submitter. Criteria: Invitae Variant Classification Sherloc (09022015). Collection method: clinical testing. Allele origin: germline.
Comment: This sequence change replaces glutamic acid, which is acidic and polar, with lysine, which is basic and polar, at codon 203 of the CASQ1 protein (p.Glu203Lys). This variant is not present in population databases (gnomAD no frequency). This variant has not been reported in the literature in individuals affected with CASQ1-related conditions. Invitae Evidence Modeling of protein sequence and biophysical properties (such as structural, functional, and spatial information, amino acid conservation, physicochemical variation, residue mobility, and thermodynamic stability) indicates that this missense variant is not expected to disrupt CASQ1 protein function with a negative predictive value of 80%. In summary, the available evidence is currently insufficient to determine the role of this variant in disease. Therefore, it has been classified as a Variant of Uncertain Significance.